The following is an entry in ClinVar:

ClinVar aggregate classification (germline): Pathogenic. Review status: criteria provided, multiple submitters, no conflicts (2 of 4 stars). 3 submissions from 3 submitters: Pathogenic (3). Last evaluated 2023-05-24.

Conditions:
Polycystic kidney disease, adult type (PKD1). Also called: Polycystic Kidney Disease 1, Autosomal Dominant; Polycystic kidney disease 1; Polycystic kidney disease 1, severe; Polycystic Kidney, Autosomal Dominant; POLYCYSTIC KIDNEY DISEASE 1 WITH OR WITHOUT POLYCYSTIC LIVER DISEASE; POLYCYSTIC KIDNEY DISEASE, ADULT, TYPE I. Identifiers: MedGen C3149841, MONDO:0008263, OMIM 173900.
PKD1-related disorder. Also called: PKD1-related condition.

Submissions (3):

PreventionGenetics, part of Exact Sciences
Classification: Pathogenic for PKD1-related condition. Last evaluated: 2023-05-24. Review status: criteria provided, single submitter. Criteria: ACMG Guidelines, 2015. Collection method: clinical testing. Allele origin: germline.
Comment: The PKD1 c.4551C>G variant is predicted to result in premature protein termination (p.Tyr1517*). This variant has been reported in multiple individuals with autosomal dominant polycystic kidney disease (Table S4 - Audrézet et al. 2012. PubMed ID: 22508176; Moriyama et al. 2020. PubMed ID: 33141305). This variant has not been reported in a large population database, indicating this variant is rare. Nonsense variants in PKD1 are expected to be pathogenic. This variant is interpreted as pathogenic.

GeneDx
Classification: Pathogenic. Last evaluated: 2022-06-22. Review status: criteria provided, single submitter. Criteria: GeneDx Variant Classification Process June 2021. Collection method: clinical testing. Allele origin: germline. Affected: yes.
Comment: Nonsense variant predicted to result in protein truncation or nonsense mediated decay in a gene for which loss of function is a known mechanism of disease; Not observed at significant frequency in large population cohorts (gnomAD); This variant is associated with the following publications: (PMID: 33141305, 22508176)

Fulgent Genetics
Classification: Pathogenic for Polycystic kidney disease, adult type. Last evaluated: 2022-05-19. Review status: criteria provided, single submitter. Criteria: ACMG Guidelines, 2015. Collection method: clinical testing. Allele origin: unknown.

NM_001009944.3(PKD1):c.4551C>G (p.Tyr1517Ter)

Gene: PKD1 (polycystin 1, transient receptor potential channel interacting; minus strand). Cytogenetic location: 16p13.3.
Variant type: single nucleotide variant.
Coding change: c.4551C>G on transcript NM_001009944.3 (MANE Select); coding-DNA position 4551, C replaced by G.
Protein change: p.Tyr1517Ter; replaces tyrosine 1517 with a stop codon.
Molecular consequence: nonsense.
Genome position (GRCh38, 1-based): chr16:2,110,616, G>C on the plus strand (C>G on the coding strand, the complement: PKD1 is on the minus strand). VCF-style: chr16-2110616-G-C. GRCh37 (hg19) VCF-style: chr16-2160617-G-C.
Other names: c.4551C>G, p.Tyr1517Ter (NM_000296.4); short protein forms Y1517*.
Identifiers: ClinVar variation 1693009 (VCV001693009.4), dbSNP rs1238351274, ClinGen allele CA394379729.